The following is an entry in ClinVar:

ClinVar aggregate classification (germline): Pathogenic (1 of 4 stars; one submission).

Conditions:
Hypertrophic cardiomyopathy 26. Also called: Cardiomyopathy, familial hypertrophic, 26. Identifiers: Orphanet 75249, MedGen C4310749, MONDO:0014883, OMIM 617047.
Myofibrillar myopathy 5. Also called: Filaminopathy (type); FILAMINOPATHY, AUTOSOMAL DOMINANT. Identifiers: Orphanet 171445, MedGen C1836050, MONDO:0012289, OMIM 609524.
Distal myopathy with posterior leg and anterior hand involvement. Also called: WILLIAMS DISTAL MYOPATHY. Identifiers: Orphanet 63273, MedGen C3279722, MONDO:0013550, OMIM 614065.

Submission:

Labcorp Genetics (formerly Invitae), Labcorp
Classification: Pathogenic for Distal myopathy with posterior leg and anterior hand involvement; Myofibrillar myopathy 5; Hypertrophic cardiomyopathy 26. Last evaluated: 2023-11-17. Review status: criteria provided, single submitter. Criteria: Invitae Variant Classification Sherloc (09022015). Collection method: clinical testing. Allele origin: germline.
Comment: This sequence change creates a premature translational stop signal (p.Tyr141Thrfs*111) in the FLNC gene. It is expected to result in an absent or disrupted protein product. Loss-of-function variants in FLNC are known to be pathogenic (PMID: 27908349). This variant is not present in population databases (gnomAD no frequency). This variant has not been reported in the literature in individuals affected with FLNC-related conditions. For these reasons, this variant has been classified as Pathogenic.

Literature cited by the submitters: PubMed 27908349.

NM_001458.5(FLNC):c.420del (p.Tyr141fs)

Gene: FLNC (filamin C; plus strand). Cytogenetic location: 7q32.1.
Variant type: Deletion.
Coding change: c.420del on transcript NM_001458.5 (MANE Select); coding-DNA position 420, one base deleted (C; older notation c.420delC).
Protein change: p.Tyr141fs; shifts the reading frame from tyrosine 141.
Molecular consequence: frameshift variant.
Genome position (GRCh38, 1-based): chr7:128,835,393, C deleted. VCF-style (leftmost placement, unchanged base first): chr7-128835392-AC-A. GRCh37 (hg19) VCF-style: chr7-128475446-AC-A.
Other names: c.420del, p.Tyr141fs (NM_001127487.2); short protein forms Y141fs.
Identifiers: ClinVar variation 2953933 (VCV002953933.3), dbSNP rs2536614528, ClinGen allele CA2740097532.